The following is an entry in ClinVar:

NM_020822.3(KCNT1):c.2407A>G (p.Ile803Val)

Gene: KCNT1 (potassium sodium-activated channel subfamily T member 1; plus strand). Cytogenetic location: 9q34.3.
Variant type: single nucleotide variant.
Coding change: c.2407A>G on transcript NM_020822.3 (MANE Select); coding-DNA position 2407, A replaced by G.
Protein change: p.Ile803Val; replaces isoleucine 803 with valine.
Molecular consequence: missense variant.
Genome position (GRCh38, 1-based): chr9:135,777,395, A>G. VCF-style: chr9-135777395-A-G. GRCh37 (hg19) VCF-style: chr9-138669241-A-G.
Other names: c.2272A>G, p.Ile758Val (NM_001272003.2); short protein forms I758V, I803V.
Identifiers: ClinVar variation 2944745 (VCV002944745.3), dbSNP rs2491023714, ClinGen allele CA375513267.

ClinVar aggregate classification (germline): Uncertain significance (1 of 4 stars; one submission).

Conditions:
Autosomal dominant nocturnal frontal lobe epilepsy 5. Also called: Epilepsy, nocturnal frontal lobe, 5; CILIARY DYSKINESIA, PRIMARY, 28, WITHOUT SITUS INVERSUS; CILIARY DYSKINESIA, PRIMARY, 28, WITH SITUS INVERSUS; KCNT1-Related Epilepsy. Identifiers: Orphanet 98784, MedGen C3554306, MONDO:0014002, OMIM 615005.
Developmental and epileptic encephalopathy, 14 (DEE14). Also called: Early infantile epileptic encephalopathy 14. Identifiers: Orphanet 293181, MedGen C3554195, MONDO:0013989, OMIM 614959.

Submission:

Labcorp Genetics (formerly Invitae), Labcorp
Classification: Uncertain significance for Autosomal dominant nocturnal frontal lobe epilepsy 5; Developmental and epileptic encephalopathy, 14. Last evaluated: 2023-02-26. Review status: criteria provided, single submitter. Criteria: Invitae Variant Classification Sherloc (09022015). Collection method: clinical testing. Allele origin: germline.
Comment: In summary, the available evidence is currently insufficient to determine the role of this variant in disease. Therefore, it has been classified as a Variant of Uncertain Significance. Advanced modeling of protein sequence and biophysical properties (such as structural, functional, and spatial information, amino acid conservation, physicochemical variation, residue mobility, and thermodynamic stability) performed at Invitae indicates that this missense variant is not expected to disrupt KCNT1 protein function. This variant has not been reported in the literature in individuals affected with KCNT1-related conditions. This variant is not present in population databases (gnomAD no frequency). This sequence change replaces isoleucine, which is neutral and non-polar, with valine, which is neutral and non-polar, at codon 803 of the KCNT1 protein (p.Ile803Val).